The following is an entry in ClinVar:

NM_000038.6(APC):c.1959-12A>G

Gene: APC (APC regulator of Wnt signaling pathway; plus strand). Cytogenetic location: 5q22.2.
Variant type: single nucleotide variant.
Coding change: c.1959-12A>G on transcript NM_000038.6 (MANE Select); 12 bases into the intron before coding-DNA position 1959, A replaced by G.
Molecular consequence: intron variant.
Genome position (GRCh38, 1-based): chr5:112,837,541, A>G. VCF-style: chr5-112837541-A-G. GRCh37 (hg19) VCF-style: chr5-112173238-A-G.
Other names: c.1959-12A>G (NM_001354895.2, NM_001127510.3); c.1989-12A>G (NM_001354897.2); c.1686-12A>G (NM_001354902.2); c.1905-12A>G (NM_001127511.3); c.1884-12A>G (NM_001354898.2); c.1581-12A>G (NM_001354904.2); c.1110-12A>G (NM_001354906.2); c.2013-12A>G (NM_001354896.2); and 5 more.
Identifiers: ClinVar variation 2015503 (VCV002015503.5), dbSNP rs2533386808, ClinGen allele CA2580072272.

ClinVar aggregate classification (germline): Likely benign. Review status: criteria provided, multiple submitters, no conflicts (2 of 4 stars). 2 submissions from 2 submitters: Likely benign (2). Last evaluated 2026-01-06.

Conditions:
Familial adenomatous polyposis 1 (FAP1). Also called: FAMILIAL ADENOMATOUS POLYPOSIS 1, ATTENUATED; POLYPOSIS, ADENOMATOUS INTESTINAL. Identifiers: MedGen C2713442, MONDO:0021056, OMIM 175100. Disease mechanism: loss of function.

Allele frequency attached by ClinVar (database versions not stated): gnomAD exomes below 0.00001.
gnomAD v4.1: 1 of 1,605,120 alleles (0.000062%); highest among the groups gnomAD compares: African/African-American, 0.0013%; no homozygotes.

Submissions (2):

Labcorp Genetics (formerly Invitae), Labcorp
Classification: Likely benign for Familial adenomatous polyposis 1. Last evaluated: 2026-01-06. Review status: criteria provided, single submitter. Criteria: Invitae Variant Classification Sherloc (09022015). Collection method: clinical testing. Allele origin: germline.

Myriad Genetics, Inc.
Classification: Likely benign for Familial adenomatous polyposis 1. Last evaluated: 2024-03-08. Review status: criteria provided, single submitter. Criteria: Myriad Autosomal Dominant, Autosomal Recessive and X-Linked Classification Criteria (2023). Collection method: clinical testing. Allele origin: unknown.
Comment: This variant is considered likely benign. This variant is intronic and is not expected to impact mRNA splicing.